The following is an entry in ClinVar:

NM_020928.2(ZSWIM6):c.3068C>T (p.Thr1023Ile)

Gene: ZSWIM6 (zinc finger SWIM-type containing 6; plus strand). Cytogenetic location: 5q12.1.
Variant type: single nucleotide variant.
Coding change: c.3068C>T on transcript NM_020928.2 (MANE Select); coding-DNA position 3068, C replaced by T.
Protein change: p.Thr1023Ile; replaces threonine 1023 with isoleucine.
Molecular consequence: missense variant.
Genome position (GRCh38, 1-based): chr5:61,543,737, C>T. VCF-style: chr5-61543737-C-T. GRCh37 (hg19) VCF-style: chr5-60839564-C-T.
Other names: short protein forms T1023I.
Identifiers: ClinVar variation 4745328 (VCV004745328.1).
Genomic context (GRCh38, chr5:61,543,737, plus strand): 5'-GTGAAAAGGATCACATAGCTTTTGAGACGGCGTACCAAATTGTTCTCGACGCTGCTACGA[C>T]TGGCATGAGCTATACACAGCTCTTTACAATAGCACGGTACATGGAGCACCGCGGGTACCC-3'
Protein context (NP_065979.1, residues 1013-1033): AYQIVLDAAT[Thr1023Ile]GMSYTQLFTI

ClinVar aggregate classification (germline): Uncertain significance (1 of 4 stars; one submission).

Submission:

Labcorp Genetics (formerly Invitae), Labcorp
Classification: Uncertain significance. Last evaluated: 2025-09-03. Review status: criteria provided, single submitter. Criteria: Invitae Variant Classification Sherloc (09022015). Collection method: clinical testing. Allele origin: germline.
Comment: This sequence change replaces threonine, which is neutral and polar, with isoleucine, which is neutral and non-polar, at codon 1023 of the ZSWIM6 protein (p.Thr1023Ile). This variant is not present in population databases (gnomAD no frequency). This variant has not been reported in the literature in individuals affected with ZSWIM6-related conditions. Invitae Evidence Modeling of protein sequence and biophysical properties (such as structural, functional, and spatial information, amino acid conservation, physicochemical variation, residue mobility, and thermodynamic stability) indicates that this missense variant is not expected to disrupt ZSWIM6 protein function with a negative predictive value of 80%. In summary, the available evidence is currently insufficient to determine the role of this variant in disease. Therefore, it has been classified as a Variant of Uncertain Significance.